The following is an entry in ClinVar:

ClinVar aggregate classification (germline): Likely pathogenic (1 of 4 stars; one submission).

Conditions:
GLMN-related disorder. Also called: GLMN-related condition.

Submission:

PreventionGenetics, part of Exact Sciences
Classification: Likely pathogenic for GLMN-related condition. Last evaluated: 2025-03-31. Review status: criteria provided, single submitter. Criteria: ACMG Guidelines, 2015. Collection method: clinical testing. Allele origin: germline.
Comment: The GLMN c.608delA variant is predicted to result in a frameshift and premature protein termination (p.Lys203Serfs*2). To our knowledge, this variant has not been reported in the literature or in a large population database (gnomAD), indicating this variant is rare. Frameshift variants in GLMN are expected to be pathogenic. This variant is interpreted as likely pathogenic.

NM_053274.3(GLMN):c.608del (p.Lys203fs)

Gene: GLMN (glomulin, FKBP associated protein; minus strand). Cytogenetic location: 1p22.1.
Variant type: Deletion.
Coding change: c.608del on transcript NM_053274.3 (MANE Select); coding-DNA position 608, one base deleted (A; older notation c.608delA).
Protein change: p.Lys203fs; shifts the reading frame from lysine 203.
Molecular consequence: frameshift variant. On other transcripts: non-coding transcript variant (1).
Genome position (GRCh38, 1-based): chr1:92,288,938, T deleted on the plus strand (A on the coding strand, the reverse complement: GLMN is on the minus strand); the first of 4 consecutive T bases (chr1:92,288,938-92,288,941); deleting any one gives the same sequence. VCF-style (leftmost placement, unchanged base first): chr1-92288937-CT-C. GRCh37 (hg19) VCF-style: chr1-92754494-CT-C.
Other names: c.608del, p.Lys203fs (NM_001319683.2); short protein forms K203fs.
Identifiers: ClinVar variation 5001996 (VCV005001996.1).